The following is an entry in ClinVar:

NM_002471.4(MYH6):c.5077G>A (p.Val1693Met)

Genes: MYH6 (myosin heavy chain 6; minus strand), LOC126861896 (BRD4-independent group 4 enhancer GRCh37_chr14:23854904-23856103; plus strand). Cytogenetic location: 14q11.2.
Variant type: single nucleotide variant.
Coding change: c.5077G>A on transcript NM_002471.4 (MANE Select); coding-DNA position 5077, G replaced by A.
Protein change: p.Val1693Met; replaces valine 1693 with methionine.
Molecular consequence: missense variant.
Genome position (GRCh38, 1-based): chr14:23,386,014, C>T on the plus strand (G>A on the coding strand, the complement: MYH6 is on the minus strand). VCF-style: chr14-23386014-C-T. GRCh37 (hg19) VCF-style: chr14-23855223-C-T.
Other names: short protein forms V1693M.
Identifiers: ClinVar variation 373555 (VCV000373555.19), dbSNP rs373457153, ClinGen allele CA7114552.

ClinVar aggregate classification (germline): Conflicting classifications of pathogenicity. Review status: criteria provided, conflicting classifications (1 of 4 stars). 8 submissions from 8 submitters: Uncertain significance (5); Likely benign (3). Last evaluated 2026-03-04.

Conditions:
MYH6-related disorder. Also called: MYH6-related condition; MYH6-Related Disorders.
Hypertrophic cardiomyopathy 14. Identifiers: MedGen C2750467, MONDO:0013197, OMIM 613251.
Atrial septal defect 3 (ASD3). Identifiers: Orphanet 1478, MedGen C3279790, MONDO:0013567, OMIM 614089.
Sick sinus syndrome 3, susceptibility to (SSS3). Identifiers: Orphanet 166282, MedGen C3279791, MONDO:0013568, OMIM 614090.
Dilated cardiomyopathy 1EE (CMD1EE). Identifiers: Orphanet 154, MedGen C2750466, MONDO:0013198, OMIM 613252.
Hypertrophic cardiomyopathy 1 (CMH1). Also called: Familial hypertrophic cardiomyopathy 1; MYH7-Related Familial Hypertrophic Cardiomyopathy. Identifiers: MedGen C3495498, MONDO:0008647, OMIM 192600.
Cardiomyopathy (CMYO). Also called: Cardiomyopathies. Identifiers: Orphanet 167848, MedGen C0878544, MONDO:0004994, HP:0001638. Inheritance: Various modes of inheritance.
Cardiovascular phenotype. Identifiers: MedGen CN230736.

Allele frequency attached by ClinVar (database versions not stated): gnomAD 0.00005; gnomAD exomes 0.00011 and 0.00015; ExAC 0.00012; TOPMed 0.00012; ESP Exome Variant Server 0.00015; 1000 Genomes Project 30x 0.00016; 1000 Genomes Project 0.00020.
gnomAD v4.1: 219 of 1,614,218 alleles (0.014%); highest among the groups gnomAD compares: East Asian, 0.025%; no homozygotes.

Submissions (8):

PreventionGenetics, part of Exact Sciences
Classification: Uncertain significance for MYH6-related condition. Last evaluated: 2026-03-04. Review status: criteria provided, single submitter. Criteria: ACMG Guidelines, 2015. Collection method: clinical testing. Allele origin: germline.
Comment: The MYH6 c.5077G>A variant is predicted to result in the amino acid substitution p.Val1693Met. To our knowledge, this variant has not been reported in the literature. This variant is reported in 0.055% of alleles in individuals of East Asian descent in gnomAD. Although we suspect that this variant may be benign, at this time, the clinical significance of this variant is uncertain due to the absence of conclusive functional and genetic evidence.

Women's Health and Genetics/Laboratory Corporation of America, LabCorp
Classification: Likely benign. Last evaluated: 2025-12-05. Review status: criteria provided, single submitter. Criteria: LabCorp Variant Classification Summary - May 2015. Collection method: clinical testing. Allele origin: germline.

Labcorp Genetics (formerly Invitae), Labcorp
Classification: Likely benign for Hypertrophic cardiomyopathy 14. Last evaluated: 2025-10-28. Review status: criteria provided, single submitter. Criteria: Invitae Variant Classification Sherloc (09022015). Collection method: clinical testing. Allele origin: germline.

Genomic Medicine Center of Excellence, King Faisal Specialist Hospital and Research Centre
Classification: Uncertain significance for Atrial septal defect 3. Last evaluated: 2024-03-29. Review status: criteria provided, single submitter. Criteria: ACMG Guidelines, 2015. Collection method: clinical testing. Allele origin: germline.

Ambry Genetics
Classification: Likely benign for Cardiovascular phenotype. Last evaluated: 2019-01-11. Review status: criteria provided, single submitter. Criteria: Ambry Variant Classification Scheme 2023. Collection method: clinical testing. Allele origin: germline.

Fulgent Genetics
Classification: Uncertain significance for Hypertrophic cardiomyopathy 1; Hypertrophic cardiomyopathy 14; Dilated cardiomyopathy 1EE; Atrial septal defect 3; Sick sinus syndrome 3, susceptibility to. Last evaluated: 2018-10-31. Review status: criteria provided, single submitter. Criteria: ACMG Guidelines, 2015. Collection method: clinical testing. Allele origin: unknown.

CHEO Genetics Diagnostic Laboratory, Children's Hospital of Eastern Ontario
Classification: Uncertain significance for Cardiomyopathy. Last evaluated: 2016-11-24. Review status: criteria provided, single submitter. Criteria: ACMG Guidelines, 2015. Collection method: clinical testing. Allele origin: germline. Study: Canadian Open Genetics Repository.

GeneDx
Classification: Uncertain significance. Last evaluated: 2016-11-22. Review status: criteria provided, single submitter. Criteria: GeneDx Variant Classification (06012015). Collection method: clinical testing. Allele origin: germline. Affected: yes.
Comment: The V1693M variant of uncertain significance in the MYH6 gene has not been published as a pathogenic or benign variant to our knowledge. This variant was not observed with any significant frequency in either the Exome Aggregation Consortium or the NHLBI Exome Sequencing Project. Nevertheless, the V1693M variant is a conservative amino acid substitution, which is not likely to impact secondary protein structure as these residues share similar properties. This substitution also occurs at a position where amino acids with similar properties to Valine are tolerated across species, and M1693 is tolerated in at least three species. Furthermore, the majority of in silico tools predict this variant likely does not alter the protein structure/function. Therefore, based on the currently available information, it is unclear whether this variant is pathogenic or rare benign.